The following is an entry in ClinVar:

NM_006516.4(SLC2A1):c.1033_1042del (p.Ala345fs)

Gene: SLC2A1 (solute carrier family 2 member 1; minus strand). Cytogenetic location: 1p34.2.
Variant type: Deletion.
Coding change: c.1033_1042del on transcript NM_006516.4 (MANE Select); coding-DNA positions 1033 to 1042, 10 bases deleted (GCGGGTTGTG; older notation c.1033_1042delGCGGGTTGTG).
Protein change: p.Ala345fs; shifts the reading frame from alanine 345.
Molecular consequence: frameshift variant.
Genome position (GRCh38, 1-based): chr1:42,928,964-42,928,973, CACAACCCGC deleted on the plus strand (GCGGGTTGTG on the coding strand, the reverse complement: SLC2A1 is on the minus strand); deleting any 10 consecutive bases within chr1:42,928,964-42,928,975 gives the same sequence; the c. name uses the placement nearest the transcript's 3' end. VCF-style (leftmost placement, unchanged base first): chr1-42928963-GCACAACCCGC-G. GRCh37 (hg19) VCF-style: chr1-43394634-GCACAACCCGC-G.
Other names: short protein forms A345fs.
Identifiers: ClinVar variation 495062 (VCV000495062.3), dbSNP rs1553155973, ClinGen allele CA658683134.

ClinVar aggregate classification (germline): Pathogenic (1 of 4 stars; one submission).

Conditions:
Encephalopathy due to GLUT1 deficiency. Also called: Classic Glucose Transporter Type 1 Deficiency Syndrome; Glucose transporter protein syndrome; GLUCOSE TRANSPORT DEFECT, BLOOD-BRAIN BARRIER; GLUT1 deficiency syndrome 1, infantile onset, severe; De Vivo disease; GLUT1 deficiency syndrome 1. Identifiers: Orphanet 71277, MedGen C4551966, MONDO:0011724, OMIM 606777.

Submission:

Center of Genomic medicine, Geneva, University Hospital of Geneva
Classification: Pathogenic for Encephalopathy due to GLUT1 deficiency. Last evaluated: 2017-10-02. Review status: criteria provided, single submitter. Criteria: ACMG Guidelines, 2015. Collection method: clinical testing. Allele origin: de novo. Affected: yes.